The following is an entry in ClinVar:

ClinVar aggregate classification (germline): Uncertain significance. Review status: criteria provided, multiple submitters, no conflicts (2 of 4 stars). 4 submissions from 4 submitters: Uncertain significance (3). 1 of the submissions does not count toward it. Last evaluated 2024-10-10.

Conditions:
PKD1-related disorder. Also called: PKD1-related condition.
Inborn genetic diseases. Identifiers: MedGen C0950123, MeSH D030342.

Allele frequency attached by ClinVar (database versions not stated): ExAC 0.00004; gnomAD 0.00004; gnomAD exomes 0.00008 and 0.00004; TOPMed 0.00002.
gnomAD v4.1: 60 of 1,609,500 alleles (0.0037%); highest among the groups gnomAD compares: Admixed American, 0.018%; no homozygotes.

Submissions (4):

GeneDx
Classification: Uncertain significance. Last evaluated: 2024-10-10. Review status: criteria provided, single submitter. Criteria: GeneDx Variant Classification Process June 2021. Collection method: clinical testing. Allele origin: germline.
Comment: In silico analysis supports that this missense variant has a deleterious effect on protein structure/function; Has not been previously published as pathogenic or benign to our knowledge

Ambry Genetics
Classification: Uncertain significance for Inborn genetic diseases. Last evaluated: 2023-09-29. Review status: criteria provided, single submitter. Criteria: Ambry Variant Classification Scheme 2023. Collection method: clinical testing. Allele origin: germline.

Athena Diagnostics
Classification: Uncertain significance. Last evaluated: 2020-09-11. Review status: criteria provided, single submitter. Criteria: Athena Diagnostics criteria. Collection method: clinical testing. Allele origin: unknown.

PreventionGenetics, part of Exact Sciences
Classification: Likely benign for PKD1-related condition. Last evaluated: 2024-05-30. Review status: no assertion criteria provided. Collection method: clinical testing. Allele origin: germline. Not counted in ClinVar's aggregate classification.
Comment: This variant is classified as likely benign based on ACMG/AMP sequence variant interpretation guidelines (Richards et al. 2015 PMID: 25741868, with internal and published modifications).

NM_001009944.3(PKD1):c.10933C>T (p.Arg3645Cys)

Genes: PKD1 (polycystin 1, transient receptor potential channel interacting; minus strand), PKD1-AS1 (PKD1 antisense RNA 1; plus strand). Cytogenetic location: 16p13.3.
Variant type: single nucleotide variant.
Coding change: c.10933C>T on transcript NM_001009944.3 (MANE Select); coding-DNA position 10933, C replaced by T.
Protein change: p.Arg3645Cys; replaces arginine 3645 with cysteine.
Molecular consequence: missense variant.
Genome position (GRCh38, 1-based): chr16:2,093,627, G>A on the plus strand (C>T on the coding strand, the complement: PKD1 is on the minus strand). VCF-style: chr16-2093627-G-A. GRCh37 (hg19) VCF-style: chr16-2143628-G-A.
Other names: c.10933C>T (NM_001009944.2); c.10930C>T, p.Arg3644Cys (NM_000296.4); short protein forms R3644C, R3645C.
Identifiers: ClinVar variation 994666 (VCV000994666.5), dbSNP rs765277688, ClinGen allele CA7829379.